The following is an entry in ClinVar:

NM_032043.3(BRIP1):c.2697A>C (p.Arg899Ser)

Gene: BRIP1 (BRCA1 interacting DNA helicase 1; minus strand). Cytogenetic location: 17q23.2.
Variant type: single nucleotide variant.
Coding change: c.2697A>C on transcript NM_032043.3 (MANE Select); coding-DNA position 2697, A replaced by C.
Protein change: p.Arg899Ser; replaces arginine 899 with serine.
Molecular consequence: missense variant.
Genome position (GRCh38, 1-based): chr17:61,686,044, T>G on the plus strand (A>C on the coding strand, the complement: BRIP1 is on the minus strand). VCF-style: chr17-61686044-T-G. GRCh37 (hg19) VCF-style: chr17-59763405-T-G.
Other names: short protein forms R899S.
Identifiers: ClinVar variation 658785 (VCV000658785.11), dbSNP rs1603276849, ClinGen allele CA400481719.

ClinVar aggregate classification (germline): Uncertain significance. Review status: criteria provided, multiple submitters, no conflicts (2 of 4 stars). 3 submissions from 3 submitters: Uncertain significance (3). Last evaluated 2025-07-12.

Conditions:
Hereditary cancer-predisposing syndrome. Also called: Neoplastic Syndromes, Hereditary; Hereditary neoplastic syndrome; Hereditary Cancer Syndrome; Tumor predisposition. Identifiers: Orphanet 140162, MedGen C0027672, MeSH D009386, MONDO:0015356.
Fanconi anemia complementation group J. Also called: BRIP1-Related Fanconi Anemia. Identifiers: Orphanet 84, MedGen C1836860, MONDO:0012187, OMIM 609054.
Familial cancer of breast. Also called: hereditary breast carcinoma; Hereditary breast cancer; BREAST CANCER, FAMILIAL. Identifiers: Orphanet 227535, MedGen C0346153, MONDO:0016419, OMIM 114480. Disease mechanism: loss of function.

Submissions (3):

Ambry Genetics
Classification: Uncertain significance for Hereditary cancer-predisposing syndrome. Last evaluated: 2025-07-12. Review status: criteria provided, single submitter. Criteria: Ambry Variant Classification Scheme 2023. Collection method: clinical testing. Allele origin: germline.
Comment: The p.R899S variant (also known as c.2697A>C), located in coding exon 18 of the BRIP1 gene, results from an A to C substitution at nucleotide position 2697. The arginine at codon 899 is replaced by serine, an amino acid with dissimilar properties. This amino acid position is conserved. In addition, this alteration is predicted to be tolerated by in silico analysis. Since supporting evidence is limited at this time, the clinical significance of this alteration remains unclear.

Labcorp Genetics (formerly Invitae), Labcorp
Classification: Uncertain significance for Familial cancer of breast; Fanconi anemia complementation group J. Last evaluated: 2024-07-30. Review status: criteria provided, single submitter. Criteria: Invitae Variant Classification Sherloc (09022015). Collection method: clinical testing. Allele origin: germline.
Comment: This sequence change replaces arginine, which is basic and polar, with serine, which is neutral and polar, at codon 899 of the BRIP1 protein (p.Arg899Ser). This variant is not present in population databases (gnomAD no frequency). This variant has not been reported in the literature in individuals affected with BRIP1-related conditions. ClinVar contains an entry for this variant (Variation ID: 658785). Advanced modeling of protein sequence and biophysical properties (such as structural, functional, and spatial information, amino acid conservation, physicochemical variation, residue mobility, and thermodynamic stability) performed at Invitae indicates that this missense variant is not expected to disrupt BRIP1 protein function with a negative predictive value of 80%. In summary, the available evidence is currently insufficient to determine the role of this variant in disease. Therefore, it has been classified as a Variant of Uncertain Significance.

Sema4
Classification: Uncertain significance for Hereditary cancer-predisposing syndrome. Last evaluated: 2021-09-14. Review status: criteria provided, single submitter. Criteria: Sema4 Curation Guidelines. Collection method: curation. Allele origin: germline.
Comment: The BRIP1 c.2697A>C (p.R899S) variant has not been reported in literature to our knowledge. This variant was not observed in the large and broad cohorts of the Genome Aggregation Database (PMID: 32461654). This variant has been reported in ClinVar (Variation ID 658785). In silico tools suggest the impact of the variant on protein function is benign, though these predictions have not been confirmed by functional studies. The overall evidence is insufficient to meet ACMG/AMP criteria for classifying it as benign or pathogenic. In summary, the clinical significance of this variant is currently uncertain.